The following is an entry in ClinVar:

ClinVar aggregate classification (germline): Uncertain significance (1 of 4 stars; one submission).

Conditions:
Jeune thoracic dystrophy. Also called: Jeune syndrome; Infantile thoracic dystrophy; Thoracic pelvic phalangeal dystrophy; Jeune's syndrome; Chondroectodermal dysplasia-like syndrome; Short-rib thoracic dysplasia. Identifiers: Orphanet 474, MedGen C0265275, MONDO:0018770.

Allele frequency attached by ClinVar (database versions not stated): TOPMed below 0.00001; gnomAD 0.00001.
gnomAD v4.1: 1 of 1,557,836 alleles (0.000064%); highest among the groups gnomAD compares: Non-Finnish European, 0.000089%; no homozygotes.

Submission:

Labcorp Genetics (formerly Invitae), Labcorp
Classification: Uncertain significance for Jeune thoracic dystrophy. Last evaluated: 2021-03-25. Review status: criteria provided, single submitter. Criteria: Invitae Variant Classification Sherloc (09022015). Collection method: clinical testing. Allele origin: germline.
Comment: This sequence change replaces glutamic acid with aspartic acid at codon 208 of the IFT80 protein (p.Glu208Asp). The glutamic acid residue is highly conserved and there is a small physicochemical difference between glutamic acid and aspartic acid. In summary, the available evidence is currently insufficient to determine the role of this variant in disease. Therefore, it has been classified as a Variant of Uncertain Significance. Algorithms developed to predict the effect of missense changes on protein structure and function (SIFT, PolyPhen-2, Align-GVGD) all suggest that this variant is likely to be disruptive, but these predictions have not been confirmed by published functional studies and their clinical significance is uncertain. This variant has not been reported in the literature in individuals with IFT80-related conditions. This variant is not present in population databases (ExAC no frequency).

NM_020800.3(IFT80):c.624A>C (p.Glu208Asp)

Genes: IFT80 (intraflagellar transport 80; minus strand), TRIM59-IFT80 (TRIM59-IFT80 readthrough (NMD candidate); minus strand). Cytogenetic location: 3q25.33.
Variant type: single nucleotide variant.
Coding change: c.624A>C on transcript NM_020800.3 (MANE Select); coding-DNA position 624, A replaced by C.
Protein change: p.Glu208Asp; replaces glutamic acid 208 with aspartic acid.
Molecular consequence: missense variant. On other transcripts: non-coding transcript variant (3).
Genome position (GRCh38, 1-based): chr3:160,357,504, T>G on the plus strand (A>C on the coding strand, the complement: IFT80 is on the minus strand). VCF-style: chr3-160357504-T-G. GRCh37 (hg19) VCF-style: chr3-160075292-T-G.
Other names: c.213A>C, p.Glu71Asp (NM_001190241.2, NM_001190242.2); short protein forms E208D, E71D.
Identifiers: ClinVar variation 1519512 (VCV001519512.8), dbSNP rs1278015440, ClinGen allele CA355193009.